The following is an entry in ClinVar:

ClinVar aggregate classification (germline): Pathogenic (1 of 4 stars; one submission).

Submission:

GeneDx
Classification: Pathogenic. Last evaluated: 2023-12-08. Review status: criteria provided, single submitter. Criteria: GeneDx Variant Classification Process June 2021. Collection method: clinical testing. Allele origin: germline. Affected: yes.
Comment: Identified in multiple patients in the published literature with a clinical diagnosis of Marfan syndrome, one of which was identified apparently de novo (PMID: 27234404, 19863550); Nonsense variant predicted to result in protein truncation or nonsense mediated decay in a gene for which loss of function is a known mechanism of disease; Not observed at significant frequency in large population cohorts (gnomAD); This variant is associated with the following publications: (PMID: 25525159, 27234404, 19863550)

NM_000138.5(FBN1):c.6241C>T (p.Gln2081Ter)

Gene: FBN1 (fibrillin 1; minus strand). Cytogenetic location: 15q21.1.
Variant type: single nucleotide variant.
Coding change: c.6241C>T on transcript NM_000138.5 (MANE Select); coding-DNA position 6241, C replaced by T.
Protein change: p.Gln2081Ter; replaces glutamine 2081 with a stop codon.
Molecular consequence: nonsense.
Genome position (GRCh38, 1-based): chr15:48,437,840, G>A on the plus strand (C>T on the coding strand, the complement: FBN1 is on the minus strand). VCF-style: chr15-48437840-G-A. GRCh37 (hg19) VCF-style: chr15-48730037-G-A.
Other names: c.6241C>T, p.Gln2081Ter (NM_001406716.1); short protein forms Q2081*.
Identifiers: ClinVar variation 3252537 (VCV003252537.1), dbSNP rs2505438703.